The following is an entry in ClinVar:

ClinVar aggregate classification (germline): Uncertain significance (1 of 4 stars; one submission).

gnomAD v4.1: 1 of 1,614,038 alleles (0.000062%); no homozygotes.

Submission:

Labcorp Genetics (formerly Invitae), Labcorp
Classification: Uncertain significance. Last evaluated: 2022-08-22. Review status: criteria provided, single submitter. Criteria: Invitae Variant Classification Sherloc (09022015). Collection method: clinical testing. Allele origin: germline.
Comment: This sequence change replaces lysine, which is basic and polar, with glutamic acid, which is acidic and polar, at codon 535 of the OCA2 protein (p.Lys535Glu). This variant is not present in population databases (gnomAD no frequency). This variant has not been reported in the literature in individuals affected with OCA2-related conditions. Advanced modeling of protein sequence and biophysical properties (such as structural, functional, and spatial information, amino acid conservation, physicochemical variation, residue mobility, and thermodynamic stability) performed at Invitae indicates that this missense variant is not expected to disrupt OCA2 protein function. In summary, the available evidence is currently insufficient to determine the role of this variant in disease. Therefore, it has been classified as a Variant of Uncertain Significance.

NM_000275.3(OCA2):c.1603A>G (p.Lys535Glu)

Gene: OCA2 (OCA2 melanosomal transmembrane protein; minus strand). Cytogenetic location: 15q13.1.
Variant type: single nucleotide variant.
Coding change: c.1603A>G on transcript NM_000275.3 (MANE Select); coding-DNA position 1603, A replaced by G.
Protein change: p.Lys535Glu; replaces lysine 535 with glutamic acid.
Molecular consequence: missense variant.
Genome position (GRCh38, 1-based): chr15:27,966,723, T>C on the plus strand (A>G on the coding strand, the complement: OCA2 is on the minus strand). VCF-style: chr15-27966723-T-C. GRCh37 (hg19) VCF-style: chr15-28211869-T-C.
Other names: c.1531A>G, p.Lys511Glu (NM_001300984.2); short protein forms K511E, K535E.
Identifiers: ClinVar variation 2085569 (VCV002085569.1), dbSNP rs2506826982, ClinGen allele CA391357022.
Genomic context (GRCh38, chr15:27,966,723, plus strand): 5'-CCTACATGAGGTTGCACTTGTACTCACCAACAATCTCACTGGGTTCCTTGTTATAAAGCT[T>C]TCTGTTCCAGTAAAGGAGTCTGAGGAGCGGAAAGCAGACCAGGAGAACAAGGCAAATCCC-3'
Protein context (NP_000266.2, residues 525-545): PLLRLLYWNR[Lys535Glu]LYNKEPSEIV